The following is an entry in ClinVar:

NM_007294.4(BRCA1):c.4669del (p.Asp1557fs)

Gene: BRCA1 (BRCA1 DNA repair associated; minus strand). Cytogenetic location: 17q21.31.
Variant type: Deletion.
Coding change: c.4669del on transcript NM_007294.4 (MANE Select); coding-DNA position 4669, one base deleted (G; older notation c.4669delG).
Protein change: p.Asp1557fs; shifts the reading frame from aspartic acid 1557.
Molecular consequence: frameshift variant. On other transcripts: non-coding transcript variant (1).
Genome position (GRCh38, 1-based): chr17:43,074,337, C deleted on the plus strand (G on the coding strand, the reverse complement: BRCA1 is on the minus strand). VCF-style (leftmost placement, unchanged base first): chr17-43074336-TC-T. GRCh37 (hg19) VCF-style: chr17-41226353-TC-T.
Other names: c.1351delG, p.Asp451Ilefs (NM_001408406.1, NM_001408407.1, NM_001408408.1); c.1348delG, p.Asp450Ilefs (NM_001408409.1); c.1285delG, p.Asp429Ilefs (NM_001408410.1); c.1282delG, p.Asp428Ilefs (NM_001408411.1); c.1279delG, p.Asp427Ilefs (NM_001408412.1, NM_001408413.1, NM_001408414.1 and 2 more transcripts); c.1243delG, p.Asp415Ilefs (NM_001408418.1, NM_001408419.1, NM_001408420.1); c.1240delG, p.Asp414Ilefs (NM_001408421.1, NM_001408422.1, NM_001408423.1 and 1 more transcripts); c.1237delG, p.Asp413Ilefs (NM_001408425.1, NM_001408426.1, NM_001408427.1 and 4 more transcripts); and 71 more; short protein forms D1557fs, D1510fs, D453fs, D1578fs.
Identifiers: ClinVar variation 1454000 (VCV001454000.7), dbSNP rs2153987675, ClinGen allele CA2573154044.

ClinVar aggregate classification (germline): Pathogenic (1 of 4 stars; one submission).

Conditions:
Hereditary breast ovarian cancer syndrome. Also called: Hereditary breast and ovarian cancer; Hereditary breast and ovarian cancer syndrome (HBOC); Breast and ovarian cancer; Hereditary breast and ovarian cancer syndrome; Hereditary breast and/or ovarian cancer syndrome; BRCA1- and BRCA2-Associated Hereditary Breast and Ovarian Cancer. Identifiers: Orphanet 145, MedGen C0677776, MeSH D061325, MONDO:0003582. Disease mechanism: loss of function.

Submission:

Labcorp Genetics (formerly Invitae), Labcorp
Classification: Pathogenic for Hereditary breast ovarian cancer syndrome. Last evaluated: 2022-04-09. Review status: criteria provided, single submitter. Criteria: Invitae Variant Classification Sherloc (09022015). Collection method: clinical testing. Allele origin: germline.
Comment: This sequence change creates a premature translational stop signal (p.Asp1557Ilefs*2) in the BRCA1 gene. It is expected to result in an absent or disrupted protein product. Loss-of-function variants in BRCA1 are known to be pathogenic (PMID: 20104584). This variant is not present in population databases (gnomAD no frequency). This variant has not been reported in the literature in individuals affected with BRCA1-related conditions. For these reasons, this variant has been classified as Pathogenic.

Literature cited by the submitters: PubMed 20104584.